The following is an entry in ClinVar:

ClinVar aggregate classification (germline): Uncertain significance (1 of 4 stars; one submission).

Submission:

GeneDx
Classification: Uncertain significance. Last evaluated: 2023-10-17. Review status: criteria provided, single submitter. Criteria: GeneDx Variant Classification Process June 2021. Collection method: clinical testing. Allele origin: germline. Affected: yes.
Comment: Has not been previously published as pathogenic or benign to our knowledge; In silico analysis supports that this missense variant has a deleterious effect on protein structure/function; Not observed at significant frequency in large population cohorts (gnomAD)

NM_031206.7(LAS1L):c.377T>C (p.Ile126Thr)

Gene: LAS1L (LAS1 like ribosome biogenesis factor; minus strand). Cytogenetic location: Xq12.
Variant type: single nucleotide variant.
Coding change: c.377T>C on transcript NM_031206.7 (MANE Select); coding-DNA position 377, T replaced by C.
Protein change: p.Ile126Thr; replaces isoleucine 126 with threonine.
Molecular consequence: missense variant. On other transcripts: 5 prime UTR variant (1), non-coding transcript variant (1).
Genome position (GRCh38, 1-based): chrX:65,532,616, A>G on the plus strand (T>C on the coding strand, the complement: LAS1L is on the minus strand). VCF-style: chrX-65532616-A-G. GRCh37 (hg19) VCF-style: chrX-64752496-A-G.
Other names: c.377T>C, p.Ile126Thr (NM_001170649.2, NM_001375328.1, NM_001375329.1 and 8 more transcripts); c.251T>C, p.Ile84Thr (NM_001170650.2); c.-420T>C (NM_001375332.1); short protein forms I126T, I84T.
Identifiers: ClinVar variation 3366243 (VCV003366243.1).